The following is an entry in ClinVar:

ClinVar aggregate classification (germline): Likely benign. Review status: criteria provided, multiple submitters, no conflicts (2 of 4 stars). 2 submissions from 2 submitters: Likely benign (2). Last evaluated 2026-05-04.

Conditions:
Inborn genetic diseases. Identifiers: MedGen C0950123, MeSH D030342.

Submissions (2):

Ambry Genetics
Classification: Likely benign for Inborn genetic diseases. Last evaluated: 2026-05-04. Review status: criteria provided, single submitter. Criteria: Ambry Variant Classification Scheme 2023. Collection method: clinical testing. Allele origin: germline.

CeGaT Center for Human Genetics Tuebingen
Classification: Likely benign. Last evaluated: 2026-02-01. Review status: criteria provided, single submitter. Criteria: CeGaT Center For Human Genetics Tuebingen Variant Classification Criteria Version 2. Collection method: clinical testing. Allele origin: germline. Affected: yes. Observed: 1 variant allele.
Comment: FANCM: PM2:Supporting, BP4, BP7

NM_020937.4(FANCM):c.135A>G (p.Ala45=)

Gene: FANCM (FA complementation group M; plus strand). Cytogenetic location: 14q21.2.
Variant type: single nucleotide variant.
Coding change: c.135A>G on transcript NM_020937.4 (MANE Select); coding-DNA position 135, A replaced by G.
Protein change: p.Ala45=; no amino-acid change (alanine 45 retained).
Molecular consequence: synonymous variant.
Genome position (GRCh38, 1-based): chr14:45,136,166, A>G. VCF-style: chr14-45136166-A-G. GRCh37 (hg19) VCF-style: chr14-45605369-A-G.
Other names: c.135A>G, p.Ala45= (NM_001308133.2, NM_001308134.2).
Identifiers: ClinVar variation 4823352 (VCV004823352.5).